The following is an entry in ClinVar:

NM_000921.5(PDE3A):c.946A>G (p.Ile316Val)

Genes: PDE3A-AS1 (PDE3A antisense RNA 1; minus strand), PDE3A (phosphodiesterase 3A; plus strand). Cytogenetic location: 12p12.2.
Variant type: single nucleotide variant.
Coding change: c.946A>G on transcript NM_000921.5 (MANE Select); coding-DNA position 946, A replaced by G.
Protein change: p.Ile316Val; replaces isoleucine 316 with valine.
Molecular consequence: missense variant. On other transcripts: non-coding transcript variant (1), 5 prime UTR variant (1).
Genome position (GRCh38, 1-based): chr12:20,370,230, A>G. VCF-style: chr12-20370230-A-G. GRCh37 (hg19) VCF-style: chr12-20523164-A-G.
Other names: c.946A>G, p.Ile316Val (NM_001378407.1); c.-83A>G (NM_001378408.1); short protein forms I316V.
Identifiers: ClinVar variation 2976010 (VCV002976010.3), dbSNP rs2120484436, ClinGen allele CA384295221.

ClinVar aggregate classification (germline): Uncertain significance (1 of 4 stars; one submission).

Allele frequency attached by ClinVar (database versions not stated): gnomAD exomes below 0.00001.
gnomAD v4.1: 1 of 1,561,612 alleles (0.000064%); highest among the groups gnomAD compares: Non-Finnish European, 0.000086%; no homozygotes.

Submission:

Labcorp Genetics (formerly Invitae), Labcorp
Classification: Uncertain significance. Last evaluated: 2023-07-30. Review status: criteria provided, single submitter. Criteria: Invitae Variant Classification Sherloc (09022015). Collection method: clinical testing. Allele origin: germline.
Comment: This variant has not been reported in the literature in individuals affected with PDE3A-related conditions. In summary, the available evidence is currently insufficient to determine the role of this variant in disease. Therefore, it has been classified as a Variant of Uncertain Significance. An algorithm developed to predict the effect of missense changes on protein structure and function (PolyPhen-2) suggests that this variant is likely to be tolerated. This variant is not present in population databases (gnomAD no frequency). This sequence change replaces isoleucine, which is neutral and non-polar, with valine, which is neutral and non-polar, at codon 316 of the PDE3A protein (p.Ile316Val).